The following is an entry in ClinVar:

NM_014967.5(FAN1):c.2059G>A (p.Val687Ile)

Genes: FAN1 (FANCD2 and FANCI associated nuclease 1; plus strand), MTMR10 (myotubularin related protein 10; minus strand). Cytogenetic location: 15q13.3.
Variant type: single nucleotide variant.
Coding change: c.2059G>A on transcript NM_014967.5 (MANE Select); coding-DNA position 2059, G replaced by A.
Protein change: p.Val687Ile; replaces valine 687 with isoleucine.
Molecular consequence: missense variant.
Genome position (GRCh38, 1-based): chr15:30,922,241, G>A. VCF-style: chr15-30922241-G-A. GRCh37 (hg19) VCF-style: chr15-31214444-G-A.
Other names: short protein forms V687I.
Identifiers: ClinVar variation 3351968 (VCV003351968.2).

ClinVar aggregate classification (germline): Uncertain significance. Review status: criteria provided, single submitter (1 of 4 stars). 2 submissions from 2 submitters: Uncertain significance (1). 1 of the submissions does not count toward it. Last evaluated 2024-01-16.

Conditions:
Karyomegalic interstitial nephritis. Identifiers: Orphanet 401996, MedGen C3553774, MONDO:0013898, OMIM 614817.
FAN1-related disorder. Also called: FAN1-related condition.

gnomAD v4.1: 196 of 1,605,426 alleles (0.012%); highest among the groups gnomAD compares: Middle Eastern, 0.033%; no homozygotes.

Submissions (2):

Fulgent Genetics
Classification: Uncertain significance for Karyomegalic interstitial nephritis. Last evaluated: 2024-01-16. Review status: criteria provided, single submitter. Criteria: ACMG Guidelines, 2015. Collection method: clinical testing. Allele origin: germline.

PreventionGenetics, part of Exact Sciences
Classification: Uncertain significance for FAN1-related condition. Last evaluated: 2024-03-06. Review status: no assertion criteria provided. Collection method: clinical testing. Allele origin: germline. Not counted in ClinVar's aggregate classification.
Comment: The FAN1 c.2059G>A variant is predicted to result in the amino acid substitution p.Val687Ile. To our knowledge, this variant has not been reported in the literature. This variant is reported in 0.0081% of alleles in individuals of European (Non-Finnish) descent in gnomAD. At this time, the clinical significance of this variant is uncertain due to the absence of conclusive functional and genetic evidence.